The following is an entry in ClinVar:

NM_001199107.2(TBC1D24):c.1271T>G (p.Phe424Cys)

Gene: TBC1D24 (TBC1 domain family member 24; plus strand). Cytogenetic location: 16p13.3.
Variant type: single nucleotide variant.
Coding change: c.1271T>G on transcript NM_001199107.2 (MANE Select); coding-DNA position 1271, T replaced by G.
Protein change: p.Phe424Cys; replaces phenylalanine 424 with cysteine.
Molecular consequence: missense variant.
Genome position (GRCh38, 1-based): chr16:2,499,899, T>G. VCF-style: chr16-2499899-T-G. GRCh37 (hg19) VCF-style: chr16-2549900-T-G.
Other names: c.1253T>G, p.Phe418Cys (NM_020705.3); short protein forms F418C, F424C.
Identifiers: ClinVar variation 640027 (VCV000640027.11), dbSNP rs1596972145, ClinGen allele CA394380236.

ClinVar aggregate classification (germline): Uncertain significance (1 of 4 stars; one submission).

Conditions:
Autosomal dominant nonsyndromic hearing loss 65. Also called: Deafness, autosomal dominant 65; TBC1D24-Related Autosomal Dominant Nonsyndromic Hearing Loss (DFNA). Identifiers: Orphanet 90635, MedGen C3892048, MONDO:0014470, OMIM 616044.
Developmental and epileptic encephalopathy, 1 (DEE1). Also called: Epileptic encephalopathy, early infantile, 1; X-linked infantile spasms; West's syndrome; Tonic spasms with clustering, arrest of psychomotor development and hypsarrhythmia on EEG; X-Linked Infantile Spasm Syndrome; OHTAHARA SYNDROME, X-LINKED. Identifiers: MedGen C3463992, MONDO:0010632, OMIM 308350. Disease mechanism: loss of function.

Submission:

Labcorp Genetics (formerly Invitae), Labcorp
Classification: Uncertain significance for Developmental and epileptic encephalopathy, 1; Autosomal dominant nonsyndromic hearing loss 65. Last evaluated: 2022-02-10. Review status: criteria provided, single submitter. Criteria: Invitae Variant Classification Sherloc (09022015). Collection method: clinical testing. Allele origin: germline.
Comment: In summary, the available evidence is currently insufficient to determine the role of this variant in disease. Therefore, it has been classified as a Variant of Uncertain Significance. Advanced modeling of protein sequence and biophysical properties (such as structural, functional, and spatial information, amino acid conservation, physicochemical variation, residue mobility, and thermodynamic stability) performed at Invitae indicates that this missense variant is expected to disrupt TBC1D24 protein function. ClinVar contains an entry for this variant (Variation ID: 640027). This variant has not been reported in the literature in individuals affected with TBC1D24-related conditions. This variant is not present in population databases (gnomAD no frequency). This sequence change replaces phenylalanine, which is neutral and non-polar, with cysteine, which is neutral and slightly polar, at codon 424 of the TBC1D24 protein (p.Phe424Cys).